The following is an entry in ClinVar:

NM_000302.4(PLOD1):c.971A>G (p.Asn324Ser)

Gene: PLOD1 (procollagen-lysine,2-oxoglutarate 5-dioxygenase 1; plus strand). Cytogenetic location: 1p36.22.
Variant type: single nucleotide variant.
Coding change: c.971A>G on transcript NM_000302.4 (MANE Select); coding-DNA position 971, A replaced by G.
Protein change: p.Asn324Ser; replaces asparagine 324 with serine.
Molecular consequence: missense variant.
Genome position (GRCh38, 1-based): chr1:11,958,643, A>G. VCF-style: chr1-11958643-A-G. GRCh37 (hg19) VCF-style: chr1-12018700-A-G.
Other names: c.1112A>G, p.Asn371Ser (NM_001316320.2); short protein forms N324S, N371S.
Identifiers: ClinVar variation 1498650 (VCV001498650.10), dbSNP rs200524993, ClinGen allele CA598206.

ClinVar aggregate classification (germline): Uncertain significance. Review status: criteria provided, multiple submitters, no conflicts (2 of 4 stars). 2 submissions from 2 submitters: Uncertain significance (2). Last evaluated 2026-01-14.

Conditions:
Familial thoracic aortic aneurysm and aortic dissection (TAAD). Also called: Thoracic aortic aneurysms and dissections. Identifiers: Orphanet 91387, MedGen C4707243, MONDO:0019625.
Ehlers-Danlos syndrome, kyphoscoliotic type 1 (EDSKSCL1). Also called: EHLERS-DANLOS SYNDROME, OCULAR-SCOLIOTIC TYPE; PLOD1-Related Kyphoscoliotic Ehlers-Danlos Syndrome; Ehlers-Danlos syndrome, hydroxylysine-deficient; EHLERS-DANLOS SYNDROME, TYPE VIA. Identifiers: Orphanet 1900, MedGen C0268342, MONDO:0016002, OMIM 225400. Disease mechanism: loss of function.

Allele frequency attached by ClinVar (database versions not stated): gnomAD 0.00002; gnomAD exomes 0.00002 and 0.00003; TOPMed 0.00002; ExAC 0.00004.

Submissions (2):

Labcorp Genetics (formerly Invitae), Labcorp
Classification: Uncertain significance for Ehlers-Danlos syndrome, kyphoscoliotic type 1. Last evaluated: 2026-01-14. Review status: criteria provided, single submitter. Criteria: Invitae Variant Classification Sherloc (09022015). Collection method: clinical testing. Allele origin: germline.
Comment: This sequence change replaces asparagine, which is neutral and polar, with serine, which is neutral and polar, at codon 324 of the PLOD1 protein (p.Asn324Ser). This variant is present in population databases (rs200524993, gnomAD 0.005%). This variant has not been reported in the literature in individuals affected with PLOD1-related conditions. ClinVar contains an entry for this variant (Variation ID: 1498650). Invitae Evidence Modeling of protein sequence and biophysical properties (such as structural, functional, and spatial information, amino acid conservation, physicochemical variation, residue mobility, and thermodynamic stability) indicates that this missense variant is not expected to disrupt PLOD1 protein function with a negative predictive value of 95%. In summary, the available evidence is currently insufficient to determine the role of this variant in disease. Therefore, it has been classified as a Variant of Uncertain Significance.

Ambry Genetics
Classification: Uncertain significance for Familial thoracic aortic aneurysm and aortic dissection. Last evaluated: 2025-08-11. Review status: criteria provided, single submitter. Criteria: Ambry Variant Classification Scheme 2023. Collection method: clinical testing. Allele origin: germline.